The following is an entry in ClinVar:

ClinVar aggregate classification (germline): Benign. Review status: criteria provided, single submitter (1 of 4 stars). 5 submissions from 1 submitter: Benign (5). Last evaluated 2018-01-12.

Conditions:
Congenital myasthenic syndrome 16. Identifiers: Orphanet 590, MedGen C3280112, MONDO:0013620, OMIM 614198.
Hypokalemic periodic paralysis, type 2 (HOKPP2). Identifiers: Orphanet 681, MedGen C2750061, MONDO:0013234, OMIM 613345.
Paramyotonia congenita of Von Eulenburg. Also called: Paramyotonia Congenita; PARALYSIS PERIODICA PARAMYOTONICA; Eulenburg disease; Myotonia congenita intermittens; Von Eulenburg paramyotonia congenita. Identifiers: Orphanet 684, MedGen C0221055, MONDO:0008195, OMIM 168300. Disease mechanism: loss of function.
Hyperkalemic periodic paralysis. Also called: Familial hyperkalemic periodic paralysis; Gamstorp disease. Identifiers: Orphanet 682, MedGen C0238357, MONDO:0008224, OMIM 170500, HP:0007215.
Potassium-aggravated myotonia. Also called: Myotonia congenita, atypical, acetazolamide-responsive; MYOTONIA CONGENITA, ACETAZOLAMIDE-RESPONSIVE; MYOTONIA CONGENITA, ATYPICAL; SODIUM CHANNEL MUSCLE DISEASE. Identifiers: Orphanet 612, Orphanet 99734, Orphanet 99735, Orphanet 99736, MedGen C2931826, MONDO:0018959, OMIM 608390.

Allele frequency attached by ClinVar (database versions not stated): TOPMed 0.09232; gnomAD 0.08626 and 0.08086; gnomAD exomes 0.00655; 1000 Genomes Project 0.09665; 1000 Genomes Project 30x 0.10166.

Submissions (5):

Illumina Laboratory Services, Illumina
Classification: Benign for Hyperkalemic periodic paralysis. Last evaluated: 2018-01-12. Review status: criteria provided, single submitter. Criteria: ICSL Variant Classification Criteria 13 December 2019. Collection method: clinical testing. Allele origin: germline.
Comment: This variant was observed in the ICSL laboratory as part of a predisposition screen in an ostensibly healthy population. It had not been previously curated by ICSL or reported in the Human Gene Mutation Database (HGMD: prior to June 1st, 2018), and was therefore a candidate for classification through an automated scoring system. Utilizing variant allele frequency, disease prevalence and penetrance estimates, and inheritance mode, an automated score was calculated to assess if this variant is too frequent to cause the disease. Based on the score and internal cut-off values, a variant classified as benign is not then subjected to further curation. The score for this variant resulted in a classification of benign for this disease.

Illumina Laboratory Services, Illumina
Classification: Benign for Hypokalemic periodic paralysis, type 2. Last evaluated: 2018-01-12. Review status: criteria provided, single submitter. Criteria: ICSL Variant Classification Criteria 13 December 2019. Collection method: clinical testing. Allele origin: germline.
Comment: the same text as in the submission from Illumina Laboratory Services, Illumina above.

Illumina Laboratory Services, Illumina
Classification: Benign for Potassium-aggravated myotonia. Last evaluated: 2018-01-12. Review status: criteria provided, single submitter. Criteria: ICSL Variant Classification Criteria 13 December 2019. Collection method: clinical testing. Allele origin: germline.
Comment: the same text as in the submission from Illumina Laboratory Services, Illumina above.

Illumina Laboratory Services, Illumina
Classification: Benign for Congenital myasthenic syndrome 16. Last evaluated: 2018-01-12. Review status: criteria provided, single submitter. Criteria: ICSL Variant Classification Criteria 13 December 2019. Collection method: clinical testing. Allele origin: germline.
Comment: the same text as in the submission from Illumina Laboratory Services, Illumina above.

Illumina Laboratory Services, Illumina
Classification: Benign for Paramyotonia congenita of Von Eulenburg. Last evaluated: 2018-01-12. Review status: criteria provided, single submitter. Criteria: ICSL Variant Classification Criteria 13 December 2019. Collection method: clinical testing. Allele origin: germline.
Comment: the same text as in the submission from Illumina Laboratory Services, Illumina above.

NM_000334.4(SCN4A):c.*563G>A

Genes: GH-LCR (growth hormone locus control region; plus strand), SCN4A (sodium voltage-gated channel alpha subunit 4; minus strand). Cytogenetic location: 17q23.3.
Variant type: single nucleotide variant.
Coding change: c.*563G>A on transcript NM_000334.4 (MANE Select); 563 bases downstream of the stop codon, G replaced by A.
Molecular consequence: 3 prime UTR variant.
Genome position (GRCh38, 1-based): chr17:63,940,208, C>T on the plus strand (G>A on the coding strand, the complement: SCN4A is on the minus strand). VCF-style: chr17-63940208-C-T. GRCh37 (hg19) VCF-style: chr17-62017568-C-T.
Identifiers: ClinVar variation 324496 (VCV000324496.5), dbSNP rs2532112, ClinGen allele CA10640204.
Genomic context (GRCh38, chr17:63,940,208, plus strand): 5'-GGCCAATCAGGTTTTGAGGCTTTGAGGAGCTATTTCTGAACCAGTCACATTTCCCTTTTC[C>T]AGGGAATTCCTGAGCTGGCCTGGTGGGTGAAGCTGCACCCCAGAGTCAAAGGGGGTGGGC-3'